The following is an entry in ClinVar:

ClinVar aggregate classification (germline): Uncertain significance (1 of 4 stars; one submission).

Allele frequency attached by ClinVar (database versions not stated): ExAC 0.00006; TOPMed 0.00008; gnomAD exomes 0.00009; gnomAD 0.00013.
gnomAD v4.1: 144 of 1,598,436 alleles (0.009%); highest among the groups gnomAD compares: Admixed American, 0.037%; no homozygotes.

Submission:

Labcorp Genetics (formerly Invitae), Labcorp
Classification: Uncertain significance. Last evaluated: 2025-01-06. Review status: criteria provided, single submitter. Criteria: Invitae Variant Classification Sherloc (09022015). Collection method: clinical testing. Allele origin: germline.
Comment: This sequence change falls in intron 3 of the SHPK gene. It does not directly change the encoded amino acid sequence of the SHPK protein. It affects a nucleotide within the consensus splice site. This variant is present in population databases (rs753913431, gnomAD 0.04%). This variant has not been reported in the literature in individuals affected with SHPK-related conditions. ClinVar contains an entry for this variant (Variation ID: 2168460). Variants that disrupt the consensus splice site are a relatively common cause of aberrant splicing (PMID: 17576681, 9536098). Algorithms developed to predict the effect of sequence changes on RNA splicing suggest that this variant may disrupt the consensus splice site. In summary, the available evidence is currently insufficient to determine the role of this variant in disease. Therefore, it has been classified as a Variant of Uncertain Significance.

Literature cited by the submitters: PubMed 17576681; PubMed 9536098.

NM_013276.4(SHPK):c.494+5G>A

Genes: SHPK (sedoheptulokinase; minus strand), LOC126862464 (MED14-independent group 3 enhancer GRCh37_chr17:3526895-3528094; plus strand). Cytogenetic location: 17p13.2.
Variant type: single nucleotide variant.
Coding change: c.494+5G>A on transcript NM_013276.4 (MANE Select); 5 bases into the intron after coding-DNA position 494, G replaced by A.
Molecular consequence: intron variant.
Genome position (GRCh38, 1-based): chr17:3,624,043, C>T on the plus strand (G>A on the coding strand, the complement: SHPK is on the minus strand). VCF-style: chr17-3624043-C-T. GRCh37 (hg19) VCF-style: chr17-3527337-C-T.
Identifiers: ClinVar variation 2168460 (VCV002168460.4), dbSNP rs753913431, ClinGen allele CA8291323.